The following is an entry in ClinVar:

NM_004260.4(RECQL4):c.866C>T (p.Ala289Val)

Gene: RECQL4 (RecQ like helicase 4; minus strand). Cytogenetic location: 8q24.3.
Variant type: single nucleotide variant.
Coding change: c.866C>T on transcript NM_004260.4 (MANE Select); coding-DNA position 866, C replaced by T.
Protein change: p.Ala289Val; replaces alanine 289 with valine.
Molecular consequence: missense variant.
Genome position (GRCh38, 1-based): chr8:144,516,253, G>A on the plus strand (C>T on the coding strand, the complement: RECQL4 is on the minus strand). VCF-style: chr8-144516253-G-A. GRCh37 (hg19) VCF-style: chr8-145741637-G-A.
Other names: short protein forms A289V.
Identifiers: ClinVar variation 642238 (VCV000642238.5), dbSNP rs1586823053, ClinGen allele CA372688885.

ClinVar aggregate classification (germline): Uncertain significance. Review status: criteria provided, multiple submitters, no conflicts (2 of 4 stars). 2 submissions from 2 submitters: Uncertain significance (2). Last evaluated 2025-01-11.

Conditions:
Baller-Gerold syndrome (BGS). Also called: CRANIOSYNOSTOSIS WITH RADIAL DEFECTS. Identifiers: Orphanet 1225, MedGen C0265308, MONDO:0009039, OMIM 218600.
Inborn genetic diseases. Identifiers: MedGen C0950123, MeSH D030342.

Allele frequency attached by ClinVar (database versions not stated): gnomAD exomes below 0.00001.
gnomAD v4.1: 3 of 1,612,536 alleles (0.00019%); highest among the groups gnomAD compares: Non-Finnish European, 0.00017%; no homozygotes.

Submissions (2):

Ambry Genetics
Classification: Uncertain significance for Inborn genetic diseases. Last evaluated: 2025-01-11. Review status: criteria provided, single submitter. Criteria: Ambry Variant Classification Scheme 2023. Collection method: clinical testing. Allele origin: germline.
Comment: The p.A289V variant (also known as c.866C>T), located in coding exon 5 of the RECQL4 gene, results from a C to T substitution at nucleotide position 866. The alanine at codon 289 is replaced by valine, an amino acid with similar properties. This amino acid position is conserved. In addition, this alteration is predicted to be tolerated by in silico analysis. Based on the available evidence, the clinical significance of this variant remains unclear.

Labcorp Genetics (formerly Invitae), Labcorp
Classification: Uncertain significance for Baller-Gerold syndrome. Last evaluated: 2018-11-20. Review status: criteria provided, single submitter. Criteria: Invitae Variant Classification Sherloc (09022015). Collection method: clinical testing. Allele origin: germline.
Comment: This sequence change replaces alanine with valine at codon 289 of the RECQL4 protein (p.Ala289Val). The alanine residue is moderately conserved and there is a small physicochemical difference between alanine and valine. This variant is not present in population databases (ExAC no frequency). This variant has not been reported in the literature in individuals with RECQL4-related disease. In summary, the available evidence is currently insufficient to determine the role of this variant in disease. Therefore, it has been classified as a Variant of Uncertain Significance. Algorithms developed to predict the effect of missense changes on protein structure and function are either unavailable or do not agree on the potential impact of this missense change (SIFT: "Deleterious"; PolyPhen-2: "Not Available"; Align-GVGD: "Class C0").